The following is an entry in ClinVar:

NM_000444.6(PHEX):c.616_617del (p.Leu206fs)

Gene: PHEX (phosphate regulating endopeptidase X-linked; plus strand). Cytogenetic location: Xp22.11.
Variant type: Deletion.
Coding change: c.616_617del on transcript NM_000444.6 (MANE Select); coding-DNA positions 616 to 617, 2 bases deleted (TT; older notation c.616_617delTT).
Protein change: p.Leu206fs; shifts the reading frame from leucine 206.
Molecular consequence: frameshift variant.
Genome position (GRCh38, 1-based): chrX:22,077,655-22,077,656, TT deleted; deleting any 2 consecutive bases within chrX:22,077,654-22,077,656 gives the same sequence; the c. name uses the placement nearest the transcript's 3' end. VCF-style (leftmost placement, unchanged base first): chrX-22077653-GTT-G. GRCh37 (hg19) VCF-style: chrX-22095771-GTT-G.
Other names: c.616_617del, p.Leu206fs (NM_001282754.2); short protein forms L206fs.
Identifiers: ClinVar variation 1076703 (VCV001076703.7), dbSNP rs2147020776, ClinGen allele CA2499226569.

ClinVar aggregate classification (germline): Pathogenic (1 of 4 stars; one submission).

Submission:

Labcorp Genetics (formerly Invitae), Labcorp
Classification: Pathogenic. Last evaluated: 2020-04-28. Review status: criteria provided, single submitter. Criteria: Invitae Variant Classification Sherloc (09022015). Collection method: clinical testing. Allele origin: germline.
Comment: For these reasons, this variant has been classified as Pathogenic. Loss-of-function variants in PHEX are known to be pathogenic (PMID: 9097956, 9106524, 19219621). Algorithms developed to predict the effect of sequence changes on RNA splicing suggest that this variant may create or strengthen a splice site, but this prediction has not been confirmed by published transcriptional studies. This variant has not been reported in the literature in individuals with PHEX-related conditions. This variant is not present in population databases (ExAC no frequency). This sequence change creates a premature translational stop signal (p.Leu206Valfs*5) in the PHEX gene. It is expected to result in an absent or disrupted protein product.

Literature cited by the submitters: PubMed 9097956; PubMed 9106524; PubMed 19219621.